The following is an entry in ClinVar:

ClinVar aggregate classification (germline): Likely pathogenic (1 of 4 stars; one submission).

Conditions:
Arrhythmogenic right ventricular dysplasia 10. Also called: Arrhythmogenic Right Ventricular Dysplasia/Cardiomyopathy10; ARRHYTHMOGENIC RIGHT VENTRICULAR DYSPLASIA, FAMILIAL, 10; Arrhythmogenic right ventricular dysplasia/cardiomyopathy, type 10. Identifiers: MedGen C1857777, MONDO:0012434, OMIM 610193.

Allele frequency attached by ClinVar (database versions not stated): gnomAD exomes below 0.00001.
gnomAD v4.1: 1 of 1,614,164 alleles (0.000062%); highest among the groups gnomAD compares: Non-Finnish European, 0.000085%; no homozygotes.

Submission:

Clinical Genomics Laboratory, Washington University in St. Louis
Classification: Likely pathogenic for Arrhythmogenic right ventricular dysplasia 10. Last evaluated: 2024-02-08. Review status: criteria provided, single submitter. Criteria: ACMG Guidelines, 2015. Collection method: clinical testing. Allele origin: germline.
Comment: The DSG2 c.3016C>T (p.Gln1006Ter) variant, to our knowledge, has not been reported in the medical literature and is absent from the general population (gnomAD v.2.1.1), indicating it is not a common variant. This variant causes a stop gain, leading to a premature termination codon; however, because this occurs in the last exon, this is not predicted to lead to nonsense mediated decay. It is expected to disrupt the last 113 amino acids of the DSG2 protein. Based on available information and the ACMG/AMP guidelines for variant interpretation (Richards S et al., PMID: 25741868), this variant is classified as likely pathogenic.

NM_001943.5(DSG2):c.3016C>T (p.Gln1006Ter)

Genes: DSG2 (desmoglein 2; plus strand), DSG2-AS1 (DSG2 antisense RNA 1; minus strand). Cytogenetic location: 18q12.1.
Variant type: single nucleotide variant.
Coding change: c.3016C>T on transcript NM_001943.5 (MANE Select); coding-DNA position 3016, C replaced by T.
Protein change: p.Gln1006Ter; replaces glutamine 1006 with a stop codon.
Molecular consequence: nonsense.
Genome position (GRCh38, 1-based): chr18:31,546,402, C>T. VCF-style: chr18-31546402-C-T. GRCh37 (hg19) VCF-style: chr18-29126365-C-T.
Other names: short protein forms Q1006*.
Identifiers: ClinVar variation 3236598 (VCV003236598.1), dbSNP rs2510922661, ClinGen allele CA402147787.